The following is an entry in ClinVar:

NM_001458.5(FLNC):c.6754G>A (p.Ala2252Thr)

Genes: FLNC-AS1 (FLNC antisense RNA 1; minus strand), FLNC (filamin C; plus strand). Cytogenetic location: 7q32.1.
Variant type: single nucleotide variant.
Coding change: c.6754G>A on transcript NM_001458.5 (MANE Select); coding-DNA position 6754, G replaced by A.
Protein change: p.Ala2252Thr; replaces alanine 2252 with threonine.
Molecular consequence: missense variant.
Genome position (GRCh38, 1-based): chr7:128,854,439, G>A. VCF-style: chr7-128854439-G-A. GRCh37 (hg19) VCF-style: chr7-128494493-G-A.
Other names: c.6655G>A, p.Ala2219Thr (NM_001127487.2); short protein forms A2219T, A2252T.
Identifiers: ClinVar variation 665107 (VCV000665107.10), dbSNP rs963272191, ClinGen allele CA166191592.

ClinVar aggregate classification (germline): Uncertain significance. Review status: criteria provided, multiple submitters, no conflicts (2 of 4 stars). 2 submissions from 2 submitters: Uncertain significance (2). Last evaluated 2025-12-01.

Conditions:
Cardiovascular phenotype. Identifiers: MedGen CN230736.
Myofibrillar myopathy 5. Also called: FILAMINOPATHY, AUTOSOMAL DOMINANT; Filaminopathy (type). Identifiers: Orphanet 171445, MedGen C1836050, MONDO:0012289, OMIM 609524.
Distal myopathy with posterior leg and anterior hand involvement. Also called: WILLIAMS DISTAL MYOPATHY. Identifiers: Orphanet 63273, MedGen C3279722, MONDO:0013550, OMIM 614065.
Hypertrophic cardiomyopathy 26. Also called: Cardiomyopathy, familial hypertrophic, 26. Identifiers: Orphanet 75249, MedGen C4310749, MONDO:0014883, OMIM 617047.

Allele frequency attached by ClinVar (database versions not stated): gnomAD exomes below 0.00001; gnomAD 0.00001; TOPMed 0.00001.
gnomAD v4.1: 4 of 1,610,328 alleles (0.00025%); highest among the groups gnomAD compares: African/African-American, 0.0027%; no homozygotes.

Submissions (2):

Labcorp Genetics (formerly Invitae), Labcorp
Classification: Uncertain significance for Distal myopathy with posterior leg and anterior hand involvement; Myofibrillar myopathy 5; Hypertrophic cardiomyopathy 26. Last evaluated: 2025-12-01. Review status: criteria provided, single submitter. Criteria: Invitae Variant Classification Sherloc (09022015). Collection method: clinical testing. Allele origin: germline.
Comment: This sequence change replaces alanine, which is neutral and non-polar, with threonine, which is neutral and polar, at codon 2252 of the FLNC protein (p.Ala2252Thr). This variant is not present in population databases (gnomAD no frequency). This variant has not been reported in the literature in individuals affected with FLNC-related conditions. ClinVar contains an entry for this variant (Variation ID: 665107). Invitae Evidence Modeling of protein sequence and biophysical properties (such as structural, functional, and spatial information, amino acid conservation, physicochemical variation, residue mobility, and thermodynamic stability) indicates that this missense variant is not expected to disrupt FLNC protein function with a negative predictive value of 95%. In summary, the available evidence is currently insufficient to determine the role of this variant in disease. Therefore, it has been classified as a Variant of Uncertain Significance.

Ambry Genetics
Classification: Uncertain significance for Cardiovascular phenotype. Last evaluated: 2025-02-13. Review status: criteria provided, single submitter. Criteria: Ambry Variant Classification Scheme 2023. Collection method: clinical testing. Allele origin: germline.